The following is an entry in ClinVar:

ClinVar aggregate classification (germline): Uncertain significance (1 of 4 stars; one submission).

Allele frequency attached by ClinVar (database versions not stated): TOPMed below 0.00001.
gnomAD v4.1: 3 of 1,529,744 alleles (0.0002%); highest among the groups gnomAD compares: African/African-American, 0.0014%; no homozygotes.

Submission:

Labcorp Genetics (formerly Invitae), Labcorp
Classification: Uncertain significance. Last evaluated: 2022-06-07. Review status: criteria provided, single submitter. Criteria: Invitae Variant Classification Sherloc (09022015). Collection method: clinical testing. Allele origin: germline.
Comment: In summary, the available evidence is currently insufficient to determine the role of this variant in disease. Therefore, it has been classified as a Variant of Uncertain Significance. This sequence change falls in intron 7 of the CTR9 gene. It does not directly change the encoded amino acid sequence of the CTR9 protein. It affects a nucleotide within the consensus splice site. This variant is present in population databases (no rsID available, gnomAD 0.007%). This variant has not been reported in the literature in individuals affected with CTR9-related conditions. Variants that disrupt the consensus splice site are a relatively common cause of aberrant splicing (PMID: 17576681, 9536098). Algorithms developed to predict the effect of sequence changes on RNA splicing suggest that this variant is not likely to affect RNA splicing.

Literature cited by the submitters: PubMed 17576681; PubMed 9536098.

NM_014633.5(CTR9):c.849+4G>A

Gene: CTR9 (CTR9 component of Paf1/RNA polymerase II complex; plus strand). Cytogenetic location: 11p15.4.
Variant type: single nucleotide variant.
Coding change: c.849+4G>A on transcript NM_014633.5 (MANE Select); 4 bases into the intron after coding-DNA position 849, G replaced by A.
Molecular consequence: intron variant.
Genome position (GRCh38, 1-based): chr11:10,762,058, G>A. VCF-style: chr11-10762058-G-A. GRCh37 (hg19) VCF-style: chr11-10783605-G-A.
Other names: c.849+4G>A (NM_001346279.2).
Identifiers: ClinVar variation 2192476 (VCV002192476.4), dbSNP rs1039995559, ClinGen allele CA217707652.